The following is an entry in ClinVar:

ClinVar aggregate classification (germline): Uncertain significance. Review status: criteria provided, multiple submitters, no conflicts (2 of 4 stars). 9 submissions from 6 submitters: Uncertain significance (9). Last evaluated 2026-09-17.

Conditions:
Factor H deficiency (CFHD). Also called: COMPLEMENT FACTOR H DEFICIENCY; CFH DEFICIENCY. Identifiers: Orphanet 200421, MedGen C0398777, MONDO:0012350, OMIM 609814.
Atypical hemolytic-uremic syndrome. Identifiers: Orphanet 2134, MedGen C2931788, MONDO:0016244.
Basal laminar drusen. Also called: DRUSEN OF BRUCH MEMBRANE; DRUSEN, CUTICULAR; DRUSEN, EARLY ADULT-ONSET, GROUPED. Identifiers: Orphanet 75376, MedGen C0730295, MONDO:0007472, OMIM 126700.
Hemolytic uremic syndrome, atypical, susceptibility to, 1. Also called: AHUS, SUSCEPTIBILITY TO, 1. Identifiers: Orphanet 2134, Orphanet 90038, MedGen C2749604, MONDO:0009335, OMIM 235400. Disease mechanism: Other.
Age related macular degeneration 4. Identifiers: MedGen C1853147, MONDO:0012540, OMIM 610698.

Allele frequency attached by ClinVar (database versions not stated): TOPMed 0.00007; ExAC 0.00008; gnomAD 0.00009 and 0.00011; ESP Exome Variant Server 0.00015.
gnomAD v4.1: 141 of 1,609,628 alleles (0.0088%); highest among the groups gnomAD compares: Middle Eastern, 0.016%; no homozygotes.

Submissions (9):

Genomenon, Inc
Classification: Uncertain significance for Atypical hemolytic-uremic syndrome; Factor H deficiency. Last evaluated: 2026-09-17. Review status: criteria provided, single submitter. Criteria: Genomenon Sequence Variant Interpretation Standards - Updated. Collection method: curation. Allele origin: germline. Affected: yes.
Comment: CFH p.Arg830Trp (c.2488C>T) is a missense variant that changes the amino acid at codon 830 from arginine to tryptophan. This variant has been observed in at least one proband affected with a CFH-related disorder (PMID: 37744338; 28941939; 29888403). Functional studies have been reported (PMID: 27905547; 28941939). It is absent or not present at a significant frequency in gnomAD. In silico models predict that this variant is not damaging. In conclusion, we classify CFH p.Arg830Trp (c.2488C>T) as a variant of uncertain significance.

Labcorp Genetics (formerly Invitae), Labcorp
Classification: Uncertain significance. Last evaluated: 2025-10-23. Review status: criteria provided, single submitter. Criteria: Invitae Variant Classification Sherloc (09022015). Collection method: clinical testing. Allele origin: germline.
Comment: This sequence change replaces arginine, which is basic and polar, with tryptophan, which is neutral and slightly polar, at codon 830 of the CFH protein (p.Arg830Trp). This variant is present in population databases (rs62641696, gnomAD 0.03%). This missense change has been observed in individual(s) with atypical hemolytic uremic syndrome and/or C3-glomerulopathy (PMID: 28941939, 29888403, 37744338). ClinVar contains an entry for this variant (Variation ID: 1431503). An algorithm developed to predict the effect of missense changes on protein structure and function (PolyPhen-2) suggests that this variant is likely to be tolerated. In summary, the available evidence is currently insufficient to determine the role of this variant in disease. Therefore, it has been classified as a Variant of Uncertain Significance.

3billion
Classification: Uncertain significance for Factor H deficiency. Last evaluated: 2024-10-07. Review status: criteria provided, single submitter. Criteria: ACMG Guidelines, 2015. Collection method: clinical testing. Allele origin: germline. Affected: yes.
Comment: The variant is observed at an extremely low frequency in the gnomAD v4.1.0 dataset (total allele frequency: 0.009%). Predicted Consequence/Location: Missense variant In silico tool predictions suggest no damaging effect of the variant on gene or gene product [REVEL: 0.13 (<0.4); 3Cnet: 0.00 (<0.15, specificity 0.78 and negative predictive value 0.92)]. The variant has been reported as of uncertain significance (ClinVar ID: VCV001431503, VCV002982193; PMID: 29888403; 3billion dataset). Therefore, this variant is classified as VUS according to the recommendation of ACMG/AMP guideline.

Fulgent Genetics
Classification: Uncertain significance for Basal laminar drusen; Hemolytic uremic syndrome, atypical, susceptibility to, 1; Factor H deficiency; Age related macular degeneration 4. Last evaluated: 2024-04-30. Review status: criteria provided, single submitter. Criteria: ACMG Guidelines, 2015. Collection method: clinical testing. Allele origin: germline.

Genome-Nilou Lab
Classification: Uncertain significance for Hemolytic uremic syndrome, atypical, susceptibility to, 1. Last evaluated: 2023-04-11. Review status: criteria provided, single submitter. Criteria: ACMG Guidelines, 2015. Collection method: clinical testing. Allele origin: germline. Affected: no.

Genome-Nilou Lab
Classification: Uncertain significance for Age related macular degeneration 4. Last evaluated: 2023-04-11. Review status: criteria provided, single submitter. Criteria: ACMG Guidelines, 2015. Collection method: clinical testing. Allele origin: germline. Affected: no.

Genome-Nilou Lab
Classification: Uncertain significance for Basal laminar drusen. Last evaluated: 2023-04-11. Review status: criteria provided, single submitter. Criteria: ACMG Guidelines, 2015. Collection method: clinical testing. Allele origin: germline. Affected: no.

Genome-Nilou Lab
Classification: Uncertain significance for Factor H deficiency. Last evaluated: 2023-04-11. Review status: criteria provided, single submitter. Criteria: ACMG Guidelines, 2015. Collection method: clinical testing. Allele origin: germline. Affected: no.

Neuberg Centre For Genomic Medicine, NCGM
Classification: Uncertain significance for Factor H deficiency. Last evaluated: 2023-02-14. Review status: criteria provided, single submitter. Criteria: ACMG Guidelines, 2015. Collection method: clinical testing. Allele origin: germline. Inheritance: Autosomal dominant inheritance. Affected: yes.
Comment: The missense c.2488C>T (p.Arg830Trp) variant in CFH gene has been reported previously in individuals affected with C3-glomerulopathy / atypical hemolytic uremic syndrome (Merinero et al. 2017; Geerlings et al. 2018). The p.Arg830Trp is reported with an allele frequency of 0.007% in the gnomAD exomes database and is novel (not in any individuals) in 1000 Genomes database. This variant has been reported to the ClinVar database as Uncertain_significance with a status of criteria provided, single submitter. The amino acid change p.Arg830Trp in CFH is predicted as conserved by GERP++. The amino acid Arg at position 830 is changed to a Trp changing protein sequence and it might alter its composition and physico-chemical properties. For these reasons, this variant has been classified as a Variant of Uncertain Significance (VUS).

Literature cited by the submitters: PubMed 37744338 (cited by Genomenon, Inc and Labcorp Genetics (formerly Invitae), Labcorp); PubMed 28941939 (cited by Genomenon, Inc and Labcorp Genetics (formerly Invitae), Labcorp); PubMed 29888403 (cited by Genomenon, Inc and Labcorp Genetics (formerly Invitae), Labcorp); PubMed 27905547 (cited by Genomenon, Inc).

NM_000186.4(CFH):c.2488C>T (p.Arg830Trp)

Gene: CFH (complement factor H; plus strand). Cytogenetic location: 1q31.3.
Variant type: single nucleotide variant.
Coding change: c.2488C>T on transcript NM_000186.4 (MANE Select); coding-DNA position 2488, C replaced by T.
Protein change: p.Arg830Trp; replaces arginine 830 with tryptophan.
Molecular consequence: missense variant.
Genome position (GRCh38, 1-based): chr1:196,736,898, C>T. VCF-style: chr1-196736898-C-T. GRCh37 (hg19) VCF-style: chr1-196706028-C-T.
Other names: short protein forms R830W.
Identifiers: ClinVar variation 1431503 (VCV001431503.12), dbSNP rs62641696, ClinGen allele CA1305675.